The following is an entry in ClinVar:

NM_005883.3(APC2):c.3433T>C (p.Ser1145Pro)

Gene: APC2 (APC regulator of Wnt signaling pathway 2; plus strand). Cytogenetic location: 19p13.3.
Variant type: single nucleotide variant.
Coding change: c.3433T>C on transcript NM_005883.3 (MANE Select); coding-DNA position 3433, T replaced by C.
Protein change: p.Ser1145Pro; replaces serine 1145 with proline.
Molecular consequence: missense variant.
Genome position (GRCh38, 1-based): chr19:1,466,734, T>C. VCF-style: chr19-1466734-T-C. GRCh37 (hg19) VCF-style: chr19-1466733-T-C.
Other names: c.3430T>C, p.Ser1144Pro (NM_001351273.1); short protein forms S1144P, S1145P.
Identifiers: ClinVar variation 1699588 (VCV001699588.6), dbSNP rs766907324, ClinGen allele CA9045687.

ClinVar aggregate classification (germline): Uncertain significance. Review status: criteria provided, multiple submitters, no conflicts (2 of 4 stars). 3 submissions from 3 submitters: Uncertain significance (3). Last evaluated 2025-05-12.

Conditions:
Inborn genetic diseases. Identifiers: MedGen C0950123, MeSH D030342.

Allele frequency attached by ClinVar (database versions not stated): gnomAD 0.00011 and 0.00013; gnomAD exomes 0.00025 and 0.00003; TOPMed 0.00031; ExAC 0.00019.
gnomAD v4.1: 69 of 1,542,412 alleles (0.0045%); highest among the groups gnomAD compares: Admixed American, 0.098%; no homozygotes.

Submissions (3):

GeneDx
Classification: Uncertain significance. Last evaluated: 2025-05-12. Review status: criteria provided, single submitter. Criteria: GeneDx Variant Classification Process June 2021. Collection method: clinical testing. Allele origin: germline.
Comment: In silico analysis supports that this missense variant has a deleterious effect on protein structure/function; Has not been previously published as pathogenic or benign to our knowledge

Ambry Genetics
Classification: Uncertain significance for Inborn genetic diseases. Last evaluated: 2025-05-07. Review status: criteria provided, single submitter. Criteria: Ambry Variant Classification Scheme 2023. Collection method: clinical testing. Allele origin: germline.

Labcorp Genetics (formerly Invitae), Labcorp
Classification: Uncertain significance. Last evaluated: 2022-08-09. Review status: criteria provided, single submitter. Criteria: Invitae Variant Classification Sherloc (09022015). Collection method: clinical testing. Allele origin: germline.
Comment: This sequence change replaces serine, which is neutral and polar, with proline, which is neutral and non-polar, at codon 1145 of the APC2 protein (p.Ser1145Pro). This variant is present in population databases (rs766907324, gnomAD 0.08%). This variant has not been reported in the literature in individuals affected with APC2-related conditions. Algorithms developed to predict the effect of missense changes on protein structure and function are either unavailable or do not agree on the potential impact of this missense change (SIFT: "Deleterious"; PolyPhen-2: "Probably Damaging"; Align-GVGD: "Class C0"). In summary, the available evidence is currently insufficient to determine the role of this variant in disease. Therefore, it has been classified as a Variant of Uncertain Significance.